The following is an entry in ClinVar:

NM_015681.6(B9D1):c.365T>C (p.Phe122Ser)

Gene: B9D1 (B9 domain containing 1; minus strand). Cytogenetic location: 17p11.2.
Variant type: single nucleotide variant.
Coding change: c.365T>C on transcript NM_015681.6 (MANE Select); coding-DNA position 365, T replaced by C.
Protein change: p.Phe122Ser; replaces phenylalanine 122 with serine.
Molecular consequence: missense variant.
Genome position (GRCh38, 1-based): chr17:19,347,308, A>G on the plus strand (T>C on the coding strand, the complement: B9D1 is on the minus strand). VCF-style: chr17-19347308-A-G. GRCh37 (hg19) VCF-style: chr17-19250621-A-G.
Other names: c.365T>C (NM_015681.5, NM_015681.3); c.365T>C, p.Phe122Ser (NM_001321214.2, NM_001321215.3, NM_001321216.2 and 4 more transcripts); c.5T>C, p.Phe2Ser (NM_001368769.2); short protein forms F122S, F2S.
Identifiers: ClinVar variation 3352245 (VCV003352245.3).

ClinVar aggregate classification (germline): Uncertain significance. Review status: criteria provided, multiple submitters, no conflicts (2 of 4 stars). 3 submissions from 3 submitters: Uncertain significance (2). 1 of the submissions does not count toward it. Last evaluated 2025-10-29.

Conditions:
B9D1-related disorder. Also called: B9D1-related disorders; B9D1-related condition.
Inborn genetic diseases. Identifiers: MedGen C0950123, MeSH D030342.
Ciliopathy. Also called: Ciliopathies. Identifiers: Orphanet 363250, MedGen C4277690, MONDO:0005308, MeSH D000072661.

Submissions (3):

Ambry Genetics
Classification: Uncertain significance for Inborn genetic diseases. Last evaluated: 2025-10-29. Review status: criteria provided, single submitter. Criteria: Ambry Variant Classification Scheme 2023. Collection method: clinical testing. Allele origin: germline.

Department of Pathology and Laboratory Medicine, Sinai Health System
Classification: Uncertain significance for ciliopathy. Last evaluated: 2022-02-08. Review status: criteria provided, single submitter. Criteria: ACMG Guidelines, 2015. Collection method: research. Allele origin: germline.

PreventionGenetics, part of Exact Sciences
Classification: Uncertain significance for B9D1-related condition. Last evaluated: 2024-09-16. Review status: no assertion criteria provided. Collection method: clinical testing. Allele origin: germline. Not counted in ClinVar's aggregate classification.
Comment: The B9D1 c.365T>C variant is predicted to result in the amino acid substitution p.Phe122Ser. To our knowledge, this variant has not been reported in the literature. This variant is reported in 0.0035% of alleles in individuals of European (Non-Finnish) descent in gnomAD. At this time, the clinical significance of this variant is uncertain due to the absence of conclusive functional and genetic evidence.